The following is an entry in ClinVar:

ClinVar aggregate classification (germline): Uncertain significance (1 of 4 stars; one submission).

Conditions:
Cardiovascular phenotype. Identifiers: MedGen CN230736.

Submission:

Ambry Genetics
Classification: Uncertain significance for Cardiovascular phenotype. Last evaluated: 2026-07-21. Review status: criteria provided, single submitter. Criteria: Ambry Variant Classification Scheme 2023. Collection method: clinical testing. Allele origin: germline.
Comment: The p.G104R variant (also known as c.310G>A), located in coding exon 3 of the EPHB4 gene, results from a G to A substitution at nucleotide position 310. The glycine at codon 104 is replaced by arginine, an amino acid with dissimilar properties. This amino acid position is conserved. In addition, this alteration is predicted to be tolerated by in silico analysis. Based on the available evidence, the clinical significance of this variant remains unclear.

NM_004444.5(EPHB4):c.310G>A (p.Gly104Arg)

Gene: EPHB4 (EPH receptor B4; minus strand). Cytogenetic location: 7q22.1.
Variant type: single nucleotide variant.
Coding change: c.310G>A on transcript NM_004444.5 (MANE Select); coding-DNA position 310, G replaced by A.
Protein change: p.Gly104Arg; replaces glycine 104 with arginine.
Molecular consequence: missense variant.
Genome position (GRCh38, 1-based): chr7:100,823,745, C>T on the plus strand (G>A on the coding strand, the complement: EPHB4 is on the minus strand). VCF-style: chr7-100823745-C-T. GRCh37 (hg19) VCF-style: chr7-100421367-C-T.
Other names: short protein forms G104R.
Identifiers: ClinVar variation 5036045 (VCV005036045.1).
Genomic context (GRCh38, chr7:100,823,745, plus strand): 5'-TGGCCGTGTCCGCATCGCTCTCATAGTAGAAGACGGTGAAGGTCTCCTTGCAGGAGCGCC[C>T]AGCCCGAGGCAGGGACAGGCACTCGAGCATGGTGAAGCGCAGCGTGGCGTACACGTGGAC-3'
Protein context (NP_004435.3, residues 94-114): MLECLSLPRA[Gly104Arg]RSCKETFTVF